The following is an entry in ClinVar:

ClinVar aggregate classification (germline): Uncertain significance. Review status: criteria provided, multiple submitters, no conflicts (2 of 4 stars). 2 submissions from 2 submitters: Uncertain significance (2). Last evaluated 2025-10-29.

Conditions:
Severe early-onset pulmonary alveolar proteinosis due to MARS deficiency. Also called: PULMONARY ALVEOLAR PROTEINOSIS, REUNION ISLAND; Interstitial lung and liver disease. Identifiers: Orphanet 440427, MedGen C4225400, MONDO:0014206, OMIM 615486.
Charcot-Marie-Tooth disease axonal type 2U. Also called: CHARCOT-MARIE-TOOTH NEUROPATHY, TYPE 2U; CHARCOT-MARIE-TOOTH DISEASE, AXONAL, AUTOSOMAL DOMINANT, TYPE 2U. Identifiers: Orphanet 397735, MedGen C4084821, MONDO:0014566, OMIM 616280.

Allele frequency attached by ClinVar (database versions not stated): TOPMed below 0.00001; gnomAD 0.00001.
gnomAD v4.1: 3 of 1,613,810 alleles (0.00019%); highest among the groups gnomAD compares: Middle Eastern, 0.017%; no homozygotes.

Submissions (2):

Labcorp Genetics (formerly Invitae), Labcorp
Classification: Uncertain significance for Charcot-Marie-Tooth disease axonal type 2U; Severe early-onset pulmonary alveolar proteinosis due to MARS deficiency. Last evaluated: 2025-10-29. Review status: criteria provided, single submitter. Criteria: Invitae Variant Classification Sherloc (09022015). Collection method: clinical testing. Allele origin: germline.
Comment: This sequence change replaces glutamic acid, which is acidic and polar, with lysine, which is basic and polar, at codon 222 of the MARS protein (p.Glu222Lys). This variant is not present in population databases (gnomAD no frequency). This variant has not been reported in the literature in individuals affected with MARS-related conditions. ClinVar contains an entry for this variant (Variation ID: 2921119). An algorithm developed to predict the effect of missense changes on protein structure and function (PolyPhen-2) suggests that this variant is likely to be tolerated. Algorithms developed to predict the effect of sequence changes on RNA splicing suggest that this variant may create or strengthen a splice site. In summary, the available evidence is currently insufficient to determine the role of this variant in disease. Therefore, it has been classified as a Variant of Uncertain Significance.

ARUP Laboratories, Molecular Genetics and Genomics, ARUP Laboratories
Classification: Uncertain significance. Last evaluated: 2023-10-13. Review status: criteria provided, single submitter. Criteria: ARUP Molecular Germline Variant Investigation Process 2024. Collection method: clinical testing. Allele origin: germline.
Comment: The MARS1 c.664G>A; p.Glu222Lys variant (rs915134782), to our knowledge, is not reported in the medical literature or gene specific databases. This variant is also absent from the Genome Aggregation Database, indicating it is not a common polymorphism. Computational analyses predict that this variant is neutral (REVEL: 0.055). This variant occurs at the fist nucleotide of exon 7, and computational analyses (Alamut Visual Plus v.1.5.1) predict that this variant does not alter splicing. However, without functional studies the effect on splicing is unknown. Given the lack of clinical and functional data, the significance of this variant is uncertain at this time.

NM_004990.4(MARS1):c.664G>A (p.Glu222Lys)

Gene: MARS1 (methionyl-tRNA synthetase 1; plus strand). Cytogenetic location: 12q13.3.
Variant type: single nucleotide variant.
Coding change: c.664G>A on transcript NM_004990.4 (MANE Select); coding-DNA position 664, G replaced by A.
Protein change: p.Glu222Lys; replaces glutamic acid 222 with lysine.
Molecular consequence: missense variant.
Genome position (GRCh38, 1-based): chr12:57,490,538, G>A. VCF-style: chr12-57490538-G-A. GRCh37 (hg19) VCF-style: chr12-57884321-G-A.
Other names: short protein forms E222K.
Identifiers: ClinVar variation 2921119 (VCV002921119.3), dbSNP rs915134782, ClinGen allele CA237807780.
Genomic context (GRCh38, chr12:57,490,538, plus strand): 5'-AAGTTTCTTTACCCTGTGGGCCCTCCTCACCTGGTAAGGGATTCTCTCCACTCTTTATAG[G>A]AGGAGGAGCTGGCTACCCTATCTGAGGAGGAGATTGCTATGGCTGTTACTGCTTGGGAGA-3'
Protein context (NP_004981.2, residues 212-232): EGRAVTNEPE[Glu222Lys]EELATLSEEE